The following is an entry in ClinVar:

ClinVar aggregate classification (germline): Benign. Review status: criteria provided, multiple submitters, no conflicts (2 of 4 stars). 2 submissions from 2 submitters: Benign (2). Last evaluated 2021-07-14.

Conditions:
Combined oxidative phosphorylation defect type 27. Also called: Combined oxidative phosphorylation deficiency 27. Identifiers: Orphanet 477774, MedGen C5567608, MONDO:0014728, OMIM 616672.

Allele frequency attached by ClinVar (database versions not stated): 1000 Genomes Project 30x 0.75000; TOPMed 0.75608; 1000 Genomes Project 0.75659; gnomAD 0.77296 and 0.77554.
gnomAD v4.1: 118,015 of 151,954 alleles (78%); highest among the groups gnomAD compares: East Asian, 85%; 46,554 homozygotes.

Submissions (2):

Genome-Nilou Lab
Classification: Benign for Combined oxidative phosphorylation defect type 27. Last evaluated: 2021-07-14. Review status: criteria provided, single submitter. Criteria: ACMG Guidelines, 2015. Collection method: clinical testing. Allele origin: germline. Affected: no.

GeneDx
Classification: Benign. Last evaluated: 2018-06-14. Review status: criteria provided, single submitter. Criteria: GeneDx Variant Classification (06012015). Collection method: clinical testing. Allele origin: germline. Affected: yes.
Comment: This variant is considered likely benign or benign based on one or more of the following criteria: it is a conservative change, it occurs at a poorly conserved position in the protein, it is predicted to be benign by multiple in silico algorithms, and/or has population frequency not consistent with disease.

NM_024537.4(CARS2):c.987+247T>C

Gene: CARS2 (cysteinyl-tRNA synthetase 2, mitochondrial; minus strand). Cytogenetic location: 13q34.
Variant type: single nucleotide variant.
Coding change: c.987+247T>C on transcript NM_024537.4 (MANE Select); 247 bases into the intron after coding-DNA position 987, T replaced by C.
Molecular consequence: intron variant.
Genome position (GRCh38, 1-based): chr13:110,663,204, A>G on the plus strand (T>C on the coding strand, the complement: CARS2 is on the minus strand). VCF-style: chr13-110663204-A-G. GRCh37 (hg19) VCF-style: chr13-111315551-A-G.
Other names: c.201+247T>C (NM_001352252.2).
Identifiers: ClinVar variation 683458 (VCV000683458.4), dbSNP rs2296658, ClinGen allele CA13802310.